The following is an entry in ClinVar:

ClinVar aggregate classification (germline): Conflicting classifications of pathogenicity. Review status: criteria provided, conflicting classifications (1 of 4 stars). 6 submissions from 6 submitters: Uncertain significance (3); Likely benign (3). Last evaluated 2026-03-10.

Conditions:
Growth delay due to insulin-like growth factor I resistance. Also called: Insulin-Like Growth Factor I Resistance; Somatomedin end-organ insensitivity to; Somatomedin-c resistance to; IGF-1 resistance; IGF-I RESISTANCE. Identifiers: Orphanet 73273, MedGen C1849157, MONDO:0010038, OMIM 270450.

Allele frequency attached by ClinVar (database versions not stated): gnomAD exomes 0.00062 and 0.00060; ExAC 0.00078; TOPMed 0.00041; 1000 Genomes Project 30x 0.00047; gnomAD 0.00050 and 0.00052; 1000 Genomes Project 0.00060; ESP Exome Variant Server 0.00062.
gnomAD v4.1: 969 of 1,613,964 alleles (0.06%); highest among the groups gnomAD compares: South Asian, 0.15%; 1 homozygote.

Submissions (6):

Women's Health and Genetics/Laboratory Corporation of America, LabCorp
Classification: Uncertain significance. Last evaluated: 2026-03-10. Review status: criteria provided, single submitter. Criteria: LabCorp Variant Classification Summary - May 2015. Collection method: clinical testing. Allele origin: germline.
Comment: Variant summary: IGF1R c.1247+3A>G alters a conserved nucleotide located close to a canonical splice site and therefore could affect mRNA splicing, leading to a significantly altered protein sequence. Consensus agreement among computation tools predict no significant impact on normal splicing. However, these predictions have yet to be confirmed by functional studies. The variant allele was found at a frequency of 0.0006 in 251456 control chromosomes. This frequency is not significantly higher than estimated for disease-causing variants in IGF1R, allowing no conclusion about variant significance. c.1247+3A>G has been observed in individual(s) affected with Short Stature (Wang_2013). These report(s) do not provide unequivocal conclusions about association of the variant with Growth Delay Due To Insulin-Like Growth Factor I Resistance. To our knowledge, no experimental evidence demonstrating an impact on protein function has been reported. The following publication have been ascertained in the context of this evaluation (PMID: 23771920). ClinVar contains an entry for this variant (Variation ID: 716705). Based on the evidence outlined above, the variant was classified as uncertain significance.

CeGaT Center for Human Genetics Tuebingen
Classification: Likely benign. Last evaluated: 2026-03-01. Review status: criteria provided, single submitter. Criteria: CeGaT Center For Human Genetics Tuebingen Variant Classification Criteria Version 2. Collection method: clinical testing. Allele origin: germline. Affected: yes. Observed: 2 variant alleles.
Comment: IGF1R: BP4

Labcorp Genetics (formerly Invitae), Labcorp
Classification: Likely benign. Last evaluated: 2026-01-31. Review status: criteria provided, single submitter. Criteria: Invitae Variant Classification Sherloc (09022015). Collection method: clinical testing. Allele origin: germline.

Blueprint Genetics
Classification: Likely benign. Last evaluated: 2024-11-20. Review status: criteria provided, single submitter. Criteria: ACMG Guidelines, 2015. Collection method: clinical testing. Allele origin: germline.

Revvity Omics, Revvity
Classification: Uncertain significance for Growth delay due to insulin-like growth factor I resistance. Last evaluated: 2020-12-11. Review status: criteria provided, single submitter. Criteria: ACMG Guidelines, 2015. Collection method: clinical testing. Allele origin: germline.

Illumina Laboratory Services, Illumina
Classification: Uncertain significance for Growth delay due to insulin-like growth factor I resistance. Last evaluated: 2018-01-13. Review status: criteria provided, single submitter. Criteria: ICSL Variant Classification Criteria 13 December 2019. Collection method: clinical testing. Allele origin: germline.

Literature cited by the submitters: PubMed 23771920 (cited by Women's Health and Genetics/Laboratory Corporation of America, LabCorp).

NM_000875.5(IGF1R):c.1247+3A>G

Gene: IGF1R (insulin like growth factor 1 receptor; plus strand). Cytogenetic location: 15q26.3.
Variant type: single nucleotide variant.
Coding change: c.1247+3A>G on transcript NM_000875.5 (MANE Select); 3 bases into the intron after coding-DNA position 1247, A replaced by G.
Molecular consequence: intron variant.
Genome position (GRCh38, 1-based): chr15:98,899,624, A>G. VCF-style: chr15-98899624-A-G. GRCh37 (hg19) VCF-style: chr15-99442853-A-G.
Other names: c.1247+3A>G (NM_001291858.2).
Identifiers: ClinVar variation 716705 (VCV000716705.20), dbSNP rs55895813, ClinGen allele CA7752045.